The following is an entry in ClinVar:

NM_001367624.2(ZNF469):c.2773A>G (p.Lys925Glu)

Gene: ZNF469 (zinc finger protein 469; plus strand). Cytogenetic location: 16q24.2.
Variant type: single nucleotide variant.
Coding change: c.2773A>G on transcript NM_001367624.2 (MANE Select); coding-DNA position 2773, A replaced by G.
Protein change: p.Lys925Glu; replaces lysine 925 with glutamic acid.
Molecular consequence: missense variant.
Genome position (GRCh38, 1-based): chr16:88,430,243, A>G. VCF-style: chr16-88430243-A-G. GRCh37 (hg19) VCF-style: chr16-88496651-A-G.
Other names: NM_001127464.1:c.2773A>G; short protein forms K925E.
Identifiers: ClinVar variation 3258223 (VCV003258223.2).

ClinVar aggregate classification (germline): Uncertain significance. Review status: criteria provided, multiple submitters, no conflicts (2 of 4 stars). 2 submissions from 2 submitters: Uncertain significance (2). Last evaluated 2025-01-01.

Conditions:
Cardiovascular phenotype. Identifiers: MedGen CN230736.

gnomAD v4.1: 6 of 1,529,482 alleles (0.00039%); highest among the groups gnomAD compares: Admixed American, 0.004%; no homozygotes.

Submissions (2):

Labcorp Genetics (formerly Invitae), Labcorp
Classification: Uncertain significance. Last evaluated: 2025-01-01. Review status: criteria provided, single submitter. Criteria: Invitae Variant Classification Sherloc (09022015). Collection method: clinical testing. Allele origin: germline.
Comment: This sequence change replaces lysine, which is basic and polar, with glutamic acid, which is acidic and polar, at codon 925 of the ZNF469 protein (p.Lys925Glu). This variant is present in population databases (no rsID available, gnomAD 0.004%). This variant has not been reported in the literature in individuals affected with ZNF469-related conditions. An algorithm developed to predict the effect of missense changes on protein structure and function outputs the following: PolyPhen-2: "Benign". The glutamic acid amino acid residue is found in multiple mammalian species, which suggests that this missense change does not adversely affect protein function. In summary, the available evidence is currently insufficient to determine the role of this variant in disease. Therefore, it has been classified as a Variant of Uncertain Significance.

Ambry Genetics
Classification: Uncertain significance for Cardiovascular phenotype. Last evaluated: 2024-03-28. Review status: criteria provided, single submitter. Criteria: Ambry Variant Classification Scheme 2023. Collection method: clinical testing. Allele origin: germline.
Comment: The p.K925E variant (also known as c.2773A>G), located in coding exon 1 of the ZNF469 gene, results from an A to G substitution at nucleotide position 2773. The lysine at codon 925 is replaced by glutamic acid, an amino acid with similar properties. This amino acid position is conserved. In addition, this alteration is predicted to be tolerated by in silico analysis. Based on the available evidence, the clinical significance of this alteration remains unclear.